The following is an entry in ClinVar:

NM_001271696.3(ABCB7):c.436T>G (p.Phe146Val)

Gene: ABCB7 (ATP binding cassette subfamily B member 7; minus strand). Cytogenetic location: Xq13.3.
Variant type: single nucleotide variant.
Coding change: c.436T>G on transcript NM_001271696.3 (MANE Select); coding-DNA position 436, T replaced by G.
Protein change: p.Phe146Val; replaces phenylalanine 146 with valine.
Molecular consequence: missense variant. On other transcripts: intron variant (2).
Genome position (GRCh38, 1-based): chrX:75,098,959, A>C on the plus strand (T>G on the coding strand, the complement: ABCB7 is on the minus strand). VCF-style: chrX-75098959-A-C. GRCh37 (hg19) VCF-style: chrX-74318794-A-C.
Other names: c.358T>G, p.Phe120Val (NM_001271698.3); c.439T>G, p.Phe147Val (NM_004299.6); c.333+13927T>G (NM_001271697.3); c.336+13927T>G (NM_001271699.3); short protein forms F120V, F146V, F147V.
Identifiers: ClinVar variation 2504753 (VCV002504753.1), dbSNP rs2519860919, ClinGen allele CA413678043.

ClinVar aggregate classification (germline): Uncertain significance (1 of 4 stars; one submission).

Submission:

GeneDx
Classification: Uncertain significance. Last evaluated: 2022-12-06. Review status: criteria provided, single submitter. Criteria: GeneDx Variant Classification Process June 2021. Collection method: clinical testing. Allele origin: germline. Affected: yes.
Comment: Not observed at significant frequency in large population cohorts (gnomAD); In silico analysis supports that this missense variant does not alter protein structure/function; Has not been previously published as pathogenic or benign to our knowledge